The following is an entry in ClinVar:

NM_199242.2(UNC13D):c.-149G>A

Gene: UNC13D (unc-13 homolog D; minus strand). Cytogenetic location: 17q25.1.
Variant type: single nucleotide variant.
Coding change: c.-149G>A on transcript NM_199242.2; 149 bases upstream of the start codon, G replaced by A.
Genome position (GRCh38, 1-based): chr17:75,844,486, C>T on the plus strand (G>A on the coding strand, the complement: UNC13D is on the minus strand). VCF-style: chr17-75844486-C-T. GRCh37 (hg19) VCF-style: chr17-73840567-C-T.
Identifiers: ClinVar variation 325279 (VCV000325279.8), dbSNP rs3744012, ClinGen allele CA10640602.

ClinVar aggregate classification (germline): Benign. Review status: criteria provided, multiple submitters, no conflicts (2 of 4 stars). 2 submissions from 2 submitters: Benign (2). Last evaluated 2018-01-13.

Conditions:
Familial hemophagocytic lymphohistiocytosis 3 (FHL3). Also called: UNC13D-Related Familial Hemophagocytic Lymphohistiocytosis (UNC13D-fHLH). Identifiers: Orphanet 540, MedGen C1837174, MONDO:0012146, OMIM 608898.

Allele frequency attached by ClinVar (database versions not stated): gnomAD 0.07100 and 0.07109; 1000 Genomes Project 0.07628; 1000 Genomes Project 30x 0.07901; gnomAD exomes 0.04900; TOPMed 0.07249.

Submissions (2):

Illumina Laboratory Services, Illumina
Classification: Benign for Familial hemophagocytic lymphohistiocytosis 3. Last evaluated: 2018-01-13. Review status: criteria provided, single submitter. Criteria: ICSL Variant Classification Criteria 13 December 2019. Collection method: clinical testing. Allele origin: germline.
Comment: This variant was observed in the ICSL laboratory as part of a predisposition screen in an ostensibly healthy population. It had not been previously curated by ICSL or reported in the Human Gene Mutation Database (HGMD: prior to June 1st, 2018), and was therefore a candidate for classification through an automated scoring system. Utilizing variant allele frequency, disease prevalence and penetrance estimates, and inheritance mode, an automated score was calculated to assess if this variant is too frequent to cause the disease. Based on the score and internal cut-off values, a variant classified as benign is not then subjected to further curation. The score for this variant resulted in a classification of benign for this disease.

Breakthrough Genomics
Classification: Benign. Review status: criteria provided, single submitter. Criteria: ACMG Guidelines, 2015. Collection method: not provided. Allele origin: germline. Inheritance: Autosomal recessive inheritance. Affected: yes.